The following is an entry in ClinVar:

NM_032737.4(LMNB2):c.157C>T (p.Leu53Phe)

Gene: LMNB2 (lamin B2; minus strand). Cytogenetic location: 19p13.3.
Variant type: single nucleotide variant.
Coding change: c.157C>T on transcript NM_032737.4 (MANE Select); coding-DNA position 157, C replaced by T.
Protein change: p.Leu53Phe; replaces leucine 53 with phenylalanine.
Molecular consequence: missense variant.
Genome position (GRCh38, 1-based): chr19:2,456,777, G>A on the plus strand (C>T on the coding strand, the complement: LMNB2 is on the minus strand). VCF-style: chr19-2456777-G-A. GRCh37 (hg19) VCF-style: chr19-2456775-G-A.
Other names: short protein forms L53F.
Identifiers: ClinVar variation 542429 (VCV000542429.8), dbSNP rs1555684976, ClinGen allele CA403259941.

ClinVar aggregate classification (germline): Uncertain significance (1 of 4 stars; one submission).

Conditions:
Lipodystrophy, partial, acquired, susceptibility to (APLD). Also called: APLD, SUSCEPTIBILITY TO. Identifiers: MedGen C3887501, MONDO:0100476, OMIM 608709.
Progressive myoclonic epilepsy type 9. Identifiers: Orphanet 457265, MedGen C4225289, MONDO:0014685, OMIM 616540.

Submission:

Labcorp Genetics (formerly Invitae), Labcorp
Classification: Uncertain significance for Progressive myoclonic epilepsy type 9; Lipodystrophy, partial, acquired, susceptibility to. Last evaluated: 2022-03-19. Review status: criteria provided, single submitter. Criteria: Invitae Variant Classification Sherloc (09022015). Collection method: clinical testing. Allele origin: germline.
Comment: This variant has not been reported in the literature in individuals affected with LMNB2-related conditions. ClinVar contains an entry for this variant (Variation ID: 542429). This variant is not present in population databases (gnomAD no frequency). This sequence change replaces leucine, which is neutral and non-polar, with phenylalanine, which is neutral and non-polar, at codon 53 of the LMNB2 protein (p.Leu53Phe). In summary, the available evidence is currently insufficient to determine the role of this variant in disease. Therefore, it has been classified as a Variant of Uncertain Significance. Algorithms developed to predict the effect of missense changes on protein structure and function are either unavailable or do not agree on the potential impact of this missense change (SIFT: "Deleterious"; PolyPhen-2: "Probably Damaging"; Align-GVGD: "Class C0").